The following is an entry in ClinVar:

ClinVar aggregate classification (germline): Uncertain significance. Review status: criteria provided, multiple submitters, no conflicts (2 of 4 stars). 2 submissions from 2 submitters: Uncertain significance (2). Last evaluated 2025-07-09.

Conditions:
Hereditary cancer-predisposing syndrome. Also called: Hereditary neoplastic syndrome; Tumor predisposition; Neoplastic Syndromes, Hereditary; Hereditary Cancer Syndrome. Identifiers: Orphanet 140162, MedGen C0027672, MeSH D009386, MONDO:0015356.
Retinoblastoma (RB1). Also called: RETINOBLASTOMA, SOMATIC. Identifiers: Orphanet 790, MedGen C0035335, MeSH D012175, MONDO:0008380, OMIM 180200, HP:0009919. Disease mechanism: loss of function. Inheritance: Both sporadic and heritable forms are tested..

Submissions (2):

Labcorp Genetics (formerly Invitae), Labcorp
Classification: Uncertain significance for Retinoblastoma. Last evaluated: 2025-07-09. Review status: criteria provided, single submitter. Criteria: Invitae Variant Classification Sherloc (09022015). Collection method: clinical testing. Allele origin: germline.
Comment: This sequence change replaces proline, which is neutral and non-polar, with leucine, which is neutral and non-polar, at codon 33 of the RB1 protein (p.Pro33Leu). This variant is not present in population databases (gnomAD no frequency). This variant has not been reported in the literature in individuals affected with RB1-related conditions. ClinVar contains an entry for this variant (Variation ID: 572128). An algorithm developed to predict the effect of missense changes on protein structure and function outputs the following: PolyPhen-2: "Benign". The leucine amino acid residue is found in multiple mammalian species, which suggests that this missense change does not adversely affect protein function. In summary, the available evidence is currently insufficient to determine the role of this variant in disease. Therefore, it has been classified as a Variant of Uncertain Significance.

Ambry Genetics
Classification: Uncertain significance for Hereditary cancer-predisposing syndrome. Last evaluated: 2025-06-24. Review status: criteria provided, single submitter. Criteria: Ambry Variant Classification Scheme 2023. Collection method: clinical testing. Allele origin: germline.
Comment: The p.P33L variant (also known as c.98C>T), located in coding exon 1 of the RB1 gene, results from a C to T substitution at nucleotide position 98. The proline at codon 33 is replaced by leucine, an amino acid with similar properties. This amino acid position is well conserved in available vertebrate species. In addition, the in silico prediction for this alteration is inconclusive. Based on the available evidence, the clinical significance of this variant remains unclear.

NM_000321.3(RB1):c.98C>T (p.Pro33Leu)

Gene: RB1 (RB transcriptional corepressor 1; plus strand). Cytogenetic location: 13q14.2.
Variant type: single nucleotide variant.
Coding change: c.98C>T on transcript NM_000321.3 (MANE Select); coding-DNA position 98, C replaced by T.
Protein change: p.Pro33Leu; replaces proline 33 with leucine.
Molecular consequence: missense variant.
Genome position (GRCh38, 1-based): chr13:48,304,010, C>T. VCF-style: chr13-48304010-C-T. GRCh37 (hg19) VCF-style: chr13-48878146-C-T.
Other names: short protein forms P33L.
Identifiers: ClinVar variation 572128 (VCV000572128.9), dbSNP rs1201977804, ClinGen allele CA388250323.